The following is an entry in ClinVar:

ClinVar aggregate classification (germline): Uncertain significance. Review status: criteria provided, multiple submitters, no conflicts (2 of 4 stars). 2 submissions from 2 submitters: Uncertain significance (2). Last evaluated 2023-10-30.

Conditions:
Intellectual developmental disorder, X-linked, syndromic, Raymond type. Also called: Syndromic X-linked intellectual disability Raymond type. Identifiers: MedGen C3275406, MONDO:0010427, OMIM 300799.

Submissions (2):

Labcorp Genetics (formerly Invitae), Labcorp
Classification: Uncertain significance for Intellectual developmental disorder, X-linked, syndromic, Raymond type. Last evaluated: 2023-10-30. Review status: criteria provided, single submitter. Criteria: Invitae Variant Classification Sherloc (09022015). Collection method: clinical testing. Allele origin: germline.
Comment: This sequence change creates a premature translational stop signal (p.Thr329Glnfs*4) in the ZDHHC9 gene. While this is not anticipated to result in nonsense mediated decay, it is expected to disrupt the last 36 amino acid(s) of the ZDHHC9 protein. This variant is present in population databases (rs779289842, gnomAD 0.001%). This variant has not been reported in the literature in individuals affected with ZDHHC9-related conditions. ClinVar contains an entry for this variant (Variation ID: 1308783). Experimental studies and prediction algorithms are not available or were not evaluated, and the functional significance of this variant is currently unknown. In summary, the available evidence is currently insufficient to determine the role of this variant in disease. Therefore, it has been classified as a Variant of Uncertain Significance.

GeneDx
Classification: Uncertain significance. Last evaluated: 2019-09-24. Review status: criteria provided, single submitter. Criteria: GeneDx Variant Classification Process June 2021. Collection method: clinical testing. Allele origin: germline. Affected: yes.
Comment: Has not been previously published as pathogenic or benign to our knowledge; Frameshift variant predicted to result in protein truncation as the last 36 amino acids are lost and replaced with3 incorrect amino acids, although loss-of-function variants have not been reported downstream of this position in the protein; Not observed at a significant frequency in large population cohorts (Lek et al., 2016)

NM_016032.4(ZDHHC9):c.984del (p.Thr329fs)

Gene: ZDHHC9 (zDHHC palmitoyltransferase 9; minus strand). Cytogenetic location: Xq26.1.
Variant type: Deletion.
Coding change: c.984del on transcript NM_016032.4 (MANE Select); coding-DNA position 984, one base deleted (C; older notation c.984delC).
Protein change: p.Thr329fs; shifts the reading frame from threonine 329.
Molecular consequence: frameshift variant.
Genome position (GRCh38, 1-based): chrX:129,806,481, G deleted on the plus strand (C on the coding strand, the reverse complement: ZDHHC9 is on the minus strand); the first of 5 consecutive G bases (chrX:129,806,481-129,806,485); deleting any one gives the same sequence. VCF-style (leftmost placement, unchanged base first): chrX-129806480-TG-T. GRCh37 (hg19) VCF-style: chrX-128940456-TG-T.
Other names: c.984del, p.Thr329fs (NM_001008222.3); short protein forms T329fs.
Identifiers: ClinVar variation 1308783 (VCV001308783.5), dbSNP rs779289842, ClinGen allele CA10513415.